The following is an entry in ClinVar:

NM_001077418.3(TMEM231):c.119T>G (p.Leu40Arg)

Gene: TMEM231 (transmembrane protein 231; minus strand). Cytogenetic location: 16q23.1.
Variant type: single nucleotide variant.
Coding change: c.119T>G on transcript NM_001077418.3 (MANE Select); coding-DNA position 119, T replaced by G.
Protein change: p.Leu40Arg; replaces leucine 40 with arginine.
Molecular consequence: missense variant. On other transcripts: non-coding transcript variant (1).
Genome position (GRCh38, 1-based): chr16:75,556,091, A>C on the plus strand (T>G on the coding strand, the complement: TMEM231 is on the minus strand). VCF-style: chr16-75556091-A-C. GRCh37 (hg19) VCF-style: chr16-75589989-A-C.
Other names: NM_001077418.3(TMEM231):c.119T>G; p.Leu40Arg; c.181T>G, p.Trp61Gly (NM_001077416.2); short protein forms W61G, L40R.
Identifiers: ClinVar variation 635014 (VCV000635014.3), dbSNP rs1567441193, ClinGen allele CA396810066.

ClinVar aggregate classification (germline): Uncertain significance. Review status: criteria provided, single submitter (1 of 4 stars). 2 submissions from 2 submitters: Uncertain significance (1). 1 of the submissions does not count toward it. Last evaluated 2024-05-22.

Conditions:
Congenital anomaly of kidney and urinary tract. Also called: Congenital anomalies of kidney and urinary tract; Congenital anomalies of the kidney and urinary tract. Identifiers: Orphanet 93545, MedGen C1968949, MeSH C566906, MONDO:0019719.
Meckel syndrome, type 11 (MKS11). Identifiers: Orphanet 564, MedGen C3809352, MONDO:0014164, OMIM 615397.

Submissions (2):

Broad Center for Mendelian Genomics, Broad Institute of MIT and Harvard
Classification: Uncertain significance for Meckel syndrome, type 11. Last evaluated: 2024-05-22. Review status: criteria provided, single submitter. Criteria: ACMG Guidelines, 2015. Collection method: curation. Allele origin: germline. Inheritance: Autosomal recessive inheritance.
Comment: The variant has not been previously reported in individuals with Meckel syndrome 11, and was absent from large population studies. This variant has been reported in ClinVar (Variation ID: 635014) and has been interpreted as uncertain significance by Yale Center for Mendelian Genomics. Computational prediction tools and conservation analyses suggest that this variant may impact the protein, though this information is not predictive enough to determine pathogenicity. In summary, the clinical significance of the p.Leu40Arg variant is uncertain. ACMG/AMP Criteria applied: PM3_Supporting, PM2_Supporting, PP3_Moderate (Richards 2015).

Yale Center for Mendelian Genomics, Yale University
Classification: Likely pathogenic for Congenital anomaly of kidney and urinary tract. Last evaluated: 2018-08-24. Review status: no assertion criteria provided. Collection method: literature only. Allele origin: germline. Affected: yes. Observed: 1 homozygote. Study: Yale Center for Mendelian Genomics. Not counted in ClinVar's aggregate classification.

Literature cited by the submitters: PubMed 30143558 (cited by Yale Center for Mendelian Genomics, Yale University).